The following is an entry in ClinVar:

ClinVar aggregate classification (germline): Uncertain significance (1 of 4 stars; one submission).

gnomAD v4.1: 2 of 1,613,996 alleles (0.00012%); highest among the groups gnomAD compares: Admixed American, 0.0033%; no homozygotes.

Submission:

Labcorp Genetics (formerly Invitae), Labcorp
Classification: Uncertain significance. Last evaluated: 2025-08-01. Review status: criteria provided, single submitter. Criteria: Invitae Variant Classification Sherloc (09022015). Collection method: clinical testing. Allele origin: germline.
Comment: This sequence change replaces lysine, which is basic and polar, with glutamic acid, which is acidic and polar, at codon 51 of the SGMS2 protein (p.Lys51Glu). This variant is not present in population databases (gnomAD no frequency). This variant has not been reported in the literature in individuals affected with SGMS2-related conditions. An algorithm developed to predict the effect of missense changes on protein structure and function (PolyPhen-2) suggests that this variant is likely to be disruptive. In summary, the available evidence is currently insufficient to determine the role of this variant in disease. Therefore, it has been classified as a Variant of Uncertain Significance.

NM_001375905.1(SGMS2):c.151A>G (p.Lys51Glu)

Genes: SGMS2 (sphingomyelin synthase 2; plus strand), CYP2U1-AS1 (CYP2U1 and SGMS2 antisense RNA 1; minus strand). Cytogenetic location: 4q25.
Variant type: single nucleotide variant.
Coding change: c.151A>G on transcript NM_001375905.1 (MANE Select); coding-DNA position 151, A replaced by G.
Protein change: p.Lys51Glu; replaces lysine 51 with glutamic acid.
Molecular consequence: missense variant. On other transcripts: intron variant (1).
Genome position (GRCh38, 1-based): chr4:107,895,704, A>G. VCF-style: chr4-107895704-A-G. GRCh37 (hg19) VCF-style: chr4-108816860-A-G.
Other names: c.151A>G, p.Lys51Glu (NM_001136257.2, NM_001136258.2, NM_001375906.1 and 4 more transcripts); c.-64-3871A>G (NM_001375911.1); short protein forms K51E.
Identifiers: ClinVar variation 4748689 (VCV004748689.1).